The following is an entry in ClinVar:

ClinVar aggregate classification (germline): Uncertain significance (1 of 4 stars; one submission).

Conditions:
Hereditary cancer-predisposing syndrome. Also called: Neoplastic Syndromes, Hereditary; Tumor predisposition; Hereditary Cancer Syndrome; Hereditary neoplastic syndrome. Identifiers: Orphanet 140162, MedGen C0027672, MeSH D009386, MONDO:0015356.

Submission:

Ambry Genetics
Classification: Uncertain significance for Hereditary cancer-predisposing syndrome. Last evaluated: 2026-05-24. Review status: criteria provided, single submitter. Criteria: Ambry Variant Classification Scheme 2023. Collection method: clinical testing. Allele origin: germline.
Comment: The p.I1117M variant (also known as c.3351T>G), located in coding exon 16 of the BLM gene, results from a T to G substitution at nucleotide position 3351. The isoleucine at codon 1117 is replaced by methionine, an amino acid with highly similar properties. This amino acid position is conserved. In addition, the in silico prediction for this alteration is inconclusive. Based on the available evidence, the clinical significance of this variant remains unclear.

NM_000057.4(BLM):c.3351T>G (p.Ile1117Met)

Gene: BLM (BLM RecQ like helicase; plus strand). Cytogenetic location: 15q26.1.
Variant type: single nucleotide variant.
Coding change: c.3351T>G on transcript NM_000057.4 (MANE Select); coding-DNA position 3351, T replaced by G.
Protein change: p.Ile1117Met; replaces isoleucine 1117 with methionine.
Molecular consequence: missense variant.
Genome position (GRCh38, 1-based): chr15:90,798,330, T>G. VCF-style: chr15-90798330-T-G. GRCh37 (hg19) VCF-style: chr15-91341560-T-G.
Other names: c.3351T>G, p.Ile1117Met (NM_001287246.2, NM_001287247.2); c.2226T>G, p.Ile742Met (NM_001287248.2); short protein forms I1117M, I742M.
Identifiers: ClinVar variation 4867519 (VCV004867519.1).